The following is an entry in ClinVar:

ClinVar aggregate classification (germline): Pathogenic (1 of 4 stars; one submission).

Submission:

Labcorp Genetics (formerly Invitae), Labcorp
Classification: Pathogenic. Last evaluated: 2024-01-24. Review status: criteria provided, single submitter. Criteria: Invitae Variant Classification Sherloc (09022015). Collection method: clinical testing. Allele origin: germline.
Comment: This sequence change creates a premature translational stop signal (p.Val140Trpfs*8) in the TBX20 gene. It is expected to result in an absent or disrupted protein product. Loss-of-function variants in TBX20 are known to be pathogenic (PMID: 15901664, 25625280, 26118961, 27510170). This variant is not present in population databases (gnomAD no frequency). This variant has not been reported in the literature in individuals affected with TBX20-related conditions. ClinVar contains an entry for this variant (Variation ID: 1485919). For these reasons, this variant has been classified as Pathogenic.

Literature cited by the submitters: PubMed 15901664; PubMed 25625280; PubMed 26118961; PubMed 27510170.

NM_001077653.2(TBX20):c.418del (p.Val140fs)

Gene: TBX20 (T-box transcription factor 20; minus strand). Cytogenetic location: 7p14.2.
Variant type: Deletion.
Coding change: c.418del on transcript NM_001077653.2 (MANE Select); coding-DNA position 418, one base deleted (G; older notation c.418delG).
Protein change: p.Val140fs; shifts the reading frame from valine 140.
Molecular consequence: frameshift variant.
Genome position (GRCh38, 1-based): chr7:35,248,804, C deleted on the plus strand (G on the coding strand, the reverse complement: TBX20 is on the minus strand); the first of 5 consecutive C bases (chr7:35,248,804-35,248,808); deleting any one gives the same sequence. VCF-style (leftmost placement, unchanged base first): chr7-35248803-AC-A. GRCh37 (hg19) VCF-style: chr7-35288415-AC-A.
Other names: c.418del, p.Val140fs (NM_001166220.1); short protein forms V140fs.
Identifiers: ClinVar variation 1485919 (VCV001485919.6), dbSNP rs1562567739, ClinGen allele CA917980480.